The following is an entry in ClinVar:

NM_000051.4(ATM):c.5762+3_5762+4del

Gene: ATM (ATM serine/threonine kinase; plus strand). Cytogenetic location: 11q22.3.
Variant type: Deletion.
Coding change: c.5762+3_5762+4del on transcript NM_000051.4 (MANE Select); bases 3 to 4 of the intron after coding-DNA position 5762, 2 bases deleted (AA; older notation c.5762+3_5762+4delAA).
Molecular consequence: intron variant.
Genome position (GRCh38, 1-based): chr11:108,307,987-108,307,988, AA deleted. VCF-style (leftmost placement, unchanged base first): chr11-108307986-TAA-T. GRCh37 (hg19) VCF-style: chr11-108178713-TAA-T.
Other names: c.5762+3_5762+4del (NM_001351834.2).
Identifiers: ClinVar variation 2769066 (VCV002769066.3), dbSNP rs2547006543, ClinGen allele CA2697558862.

ClinVar aggregate classification (germline): Uncertain significance (1 of 4 stars; one submission).

Conditions:
Ataxia-telangiectasia syndrome (AT). Also called: Ataxia-telangiectasia, complementation group D; LOUIS-BAR SYNDROME; ATAXIA-TELANGIECTASIA, COMPLEMENTATION GROUP A; ATAXIA-TELANGIECTASIA, FRESNO VARIANT; Ataxia telangiectasia (A-T); Cerebello-oculocutaneous telangiectasia. Identifiers: Orphanet 100, MedGen C0004135, MONDO:0008840, OMIM 208900.

Submission:

Labcorp Genetics (formerly Invitae), Labcorp
Classification: Uncertain significance for Ataxia-telangiectasia syndrome. Last evaluated: 2023-11-28. Review status: criteria provided, single submitter. Criteria: Invitae Variant Classification Sherloc (09022015). Collection method: clinical testing. Allele origin: germline.
Comment: This sequence change falls in intron 38 of the ATM gene. It does not directly change the encoded amino acid sequence of the ATM protein. RNA analysis indicates that this variant induces altered splicing and may result in an absent or disrupted protein product. This variant is not present in population databases (gnomAD no frequency). This variant has not been reported in the literature in individuals affected with ATM-related conditions. Variants that disrupt the consensus splice site are a relatively common cause of aberrant splicing (PMID: 17576681, 9536098). Studies have shown that this variant results in skipping of exon 38 and introduces a premature termination codon (Invitae). The resulting mRNA is expected to undergo nonsense-mediated decay. In summary, the available evidence is currently insufficient to determine the role of this variant in disease. Therefore, it has been classified as a Variant of Uncertain Significance.

Literature cited by the submitters: PubMed 17576681; PubMed 9536098.